The following is an entry in ClinVar:

ClinVar aggregate classification (germline): Uncertain significance (1 of 4 stars; one submission).

Conditions:
Fanconi anemia (FA). Also called: Fanconi's anemia. Identifiers: Orphanet 84, MedGen C0015625, MeSH D005199, MONDO:0019391.

gnomAD v4.1: 2 of 1,613,910 alleles (0.00012%); highest among the groups gnomAD compares: Non-Finnish European, 0.00017%; no homozygotes.

Submission:

Labcorp Genetics (formerly Invitae), Labcorp
Classification: Uncertain significance for Fanconi anemia. Last evaluated: 2025-04-18. Review status: criteria provided, single submitter. Criteria: Invitae Variant Classification Sherloc (09022015). Collection method: clinical testing. Allele origin: germline.
Comment: This sequence change replaces tryptophan, which is neutral and slightly polar, with serine, which is neutral and polar, at codon 1236 of the SLX4 protein (p.Trp1236Ser). This variant is not present in population databases (gnomAD no frequency). This variant has not been reported in the literature in individuals affected with SLX4-related conditions. An algorithm developed to predict the effect of missense changes on protein structure and function (PolyPhen-2) suggests that this variant is likely to be tolerated. In summary, the available evidence is currently insufficient to determine the role of this variant in disease. Therefore, it has been classified as a Variant of Uncertain Significance.

NM_032444.4(SLX4):c.3707G>C (p.Trp1236Ser)

Gene: SLX4 (SLX4 structure-specific endonuclease subunit; minus strand). Cytogenetic location: 16p13.3.
Variant type: single nucleotide variant.
Coding change: c.3707G>C on transcript NM_032444.4 (MANE Select); coding-DNA position 3707, G replaced by C.
Protein change: p.Trp1236Ser; replaces tryptophan 1236 with serine.
Molecular consequence: missense variant.
Genome position (GRCh38, 1-based): chr16:3,589,931, C>G on the plus strand (G>C on the coding strand, the complement: SLX4 is on the minus strand). VCF-style: chr16-3589931-C-G. GRCh37 (hg19) VCF-style: chr16-3639932-C-G.
Other names: short protein forms W1236S.
Identifiers: ClinVar variation 4763739 (VCV004763739.1).